The following is an entry in ClinVar:

ClinVar aggregate classification (germline): Conflicting classifications of pathogenicity. Review status: criteria provided, conflicting classifications (1 of 4 stars). 5 submissions from 5 submitters: Likely pathogenic (1); Uncertain significance (4). Last evaluated 2026-09-08.

Conditions:
Congenital myasthenic syndrome 9. Also called: Myasthenic syndrome, congenital, 9, associated with acetylcholine receptor deficiency. Identifiers: Orphanet 590, MedGen C4225368, MONDO:0014587, OMIM 616325.
Fetal akinesia deformation sequence 1 (FADS1). Also called: Pena-Shokeir syndrome type I; Fetal akinesia sequence. Identifiers: Orphanet 994, MedGen C1276035, MONDO:0100101, OMIM 208150, HP:0001989.

Allele frequency attached by ClinVar (database versions not stated): gnomAD 0.00007 and 0.00008; ExAC 0.00010; gnomAD exomes 0.00010; TOPMed 0.00011; ESP Exome Variant Server 0.00025.
gnomAD v4.1: 141 of 1,613,788 alleles (0.0087%); highest among the groups gnomAD compares: Non-Finnish European, 0.011%; no homozygotes.

Submissions (5):

GeneDx
Classification: Likely pathogenic. Last evaluated: 2026-09-08. Review status: criteria provided, single submitter. Criteria: GeneDx Variant Classification Process June 2021. Collection method: clinical testing. Allele origin: germline.
Comment: Identified with a second variant in MUSK in siblings with features consistent with MUSK-related myasthenia (PMID: 30719842); In silico analysis supports that this missense variant has a deleterious effect on protein structure/function; This variant is associated with the following publications: (PMID: 34426522, 25537362, 37240968, 37091828, 30719842)

Labcorp Genetics (formerly Invitae), Labcorp
Classification: Uncertain significance for Congenital myasthenic syndrome 9; Fetal akinesia deformation sequence 1. Last evaluated: 2025-01-15. Review status: criteria provided, single submitter. Criteria: Invitae Variant Classification Sherloc (09022015). Collection method: clinical testing. Allele origin: germline.
Comment: This sequence change replaces alanine, which is neutral and non-polar, with threonine, which is neutral and polar, at codon 763 of the MUSK protein (p.Ala763Thr). This variant is present in population databases (rs199507468, gnomAD 0.02%). This missense change has been observed in individual(s) with bilateral vocal cord paralysis (PMID: 30719842, 37091828). ClinVar contains an entry for this variant (Variation ID: 839724). Invitae Evidence Modeling of protein sequence and biophysical properties (such as structural, functional, and spatial information, amino acid conservation, physicochemical variation, residue mobility, and thermodynamic stability) indicates that this missense variant is expected to disrupt MUSK protein function with a positive predictive value of 80%. In summary, the available evidence is currently insufficient to determine the role of this variant in disease. Therefore, it has been classified as a Variant of Uncertain Significance.

Revvity Omics, Revvity
Classification: Uncertain significance. Last evaluated: 2024-08-30. Review status: criteria provided, single submitter. Criteria: ACMG Guidelines, 2015. Collection method: clinical testing. Allele origin: germline.

Women's Health and Genetics/Laboratory Corporation of America, LabCorp
Classification: Uncertain significance. Last evaluated: 2024-04-18. Review status: criteria provided, single submitter. Criteria: LabCorp Variant Classification Summary - May 2015. Collection method: clinical testing. Allele origin: germline.
Comment: Variant summary: MUSK c.2287G>A (p.Ala763Thr) results in a non-conservative amino acid change located in the Protein kinase domain (IPR000719) of the encoded protein sequence. Three of five in-silico tools predict a damaging effect of the variant on protein function. The variant allele was found at a frequency of 9.6e-05 in 249040 control chromosomes. c.2287G>A has been reported in the literature in multiple compound heterozygous individuals affected with vocal cord paralysis (e.g. Murali_2019, Jiang_2023). These data indicate that the variant may be associated with disease. To our knowledge, no experimental evidence demonstrating an impact on protein function has been reported. The following publications have been ascertained in the context of this evaluation (PMID: 37091828, 30719842). ClinVar contains an entry for this variant (Variation ID: 839724). Based on the evidence outlined above, the variant was classified as VUS-possibly pathogenic.

Illumina Laboratory Services, Illumina
Classification: Uncertain significance for Congenital myasthenic syndrome 9. Last evaluated: 2018-01-12. Review status: criteria provided, single submitter. Criteria: ICSL Variant Classification Criteria 13 December 2019. Collection method: clinical testing. Allele origin: germline.

Literature cited by the submitters: PubMed 30719842 (cited by Labcorp Genetics (formerly Invitae), Labcorp and Women's Health and Genetics/Laboratory Corporation of America, LabCorp); PubMed 37091828 (cited by Labcorp Genetics (formerly Invitae), Labcorp and Women's Health and Genetics/Laboratory Corporation of America, LabCorp).

NM_005592.4(MUSK):c.2287G>A (p.Ala763Thr)

Gene: MUSK (muscle associated receptor tyrosine kinase; plus strand). Cytogenetic location: 9q31.3.
Variant type: single nucleotide variant.
Coding change: c.2287G>A on transcript NM_005592.4 (MANE Select); coding-DNA position 2287, G replaced by A.
Protein change: p.Ala763Thr; replaces alanine 763 with threonine.
Molecular consequence: missense variant.
Genome position (GRCh38, 1-based): chr9:110,800,665, G>A. VCF-style: chr9-110800665-G-A. GRCh37 (hg19) VCF-style: chr9-113562945-G-A.
Other names: c.2029G>A, p.Ala677Thr (NM_001166280.2); c.1999G>A, p.Ala667Thr (NM_001166281.2); c.1027G>A, p.Ala343Thr (NM_001369398.1); short protein forms A343T, A667T, A677T, A763T.
Identifiers: ClinVar variation 839724 (VCV000839724.16), dbSNP rs199507468, ClinGen allele CA5184601.